The following is an entry in ClinVar:

NM_001378183.1(PIEZO2):c.5871G>A (p.Ser1957=)

Gene: PIEZO2 (piezo type mechanosensitive ion channel component 2; minus strand). Cytogenetic location: 18p11.22.
Variant type: single nucleotide variant.
Coding change: c.5871G>A on transcript NM_001378183.1 (MANE Select); coding-DNA position 5871, G replaced by A.
Protein change: p.Ser1957=; no amino-acid change (serine 1957 retained).
Molecular consequence: synonymous variant.
Genome position (GRCh38, 1-based): chr18:10,705,464, C>T on the plus strand (G>A on the coding strand, the complement: PIEZO2 is on the minus strand). VCF-style: chr18-10705464-C-T. GRCh37 (hg19) VCF-style: chr18-10705462-C-T.
Other names: c.5532G>A, p.Ser1844= (NM_022068.4).
Identifiers: ClinVar variation 733868 (VCV000733868.20), dbSNP rs776642495, ClinGen allele CA8892305.

ClinVar aggregate classification (germline): Likely benign. Review status: criteria provided, multiple submitters, no conflicts (2 of 4 stars). 2 submissions from 2 submitters: Likely benign (2). Last evaluated 2024-12-31.

Allele frequency attached by ClinVar (database versions not stated): TOPMed 0.00002; gnomAD 0.00003; ExAC 0.00011; 1000 Genomes Project 30x 0.00016.
gnomAD v4.1: 55 of 1,537,214 alleles (0.0036%); highest among the groups gnomAD compares: Non-Finnish European, 0.003%; no homozygotes.

Submissions (2):

Labcorp Genetics (formerly Invitae), Labcorp
Classification: Likely benign. Last evaluated: 2024-12-31. Review status: criteria provided, single submitter. Criteria: Invitae Variant Classification Sherloc (09022015). Collection method: clinical testing. Allele origin: germline.

CeGaT Center for Human Genetics Tuebingen
Classification: Likely benign. Last evaluated: 2024-09-01. Review status: criteria provided, single submitter. Criteria: CeGaT Center For Human Genetics Tuebingen Variant Classification Criteria Version 2. Collection method: clinical testing. Allele origin: germline. Affected: yes. Observed: 1 variant allele.
Comment: PIEZO2: BP4, BP7